The following is an entry in ClinVar:

NM_138420.4(AHNAK2):c.4544C>T (p.Ser1515Leu)

Gene: AHNAK2 (AHNAK nucleoprotein 2; minus strand). Cytogenetic location: 14q32.33.
Variant type: single nucleotide variant.
Coding change: c.4544C>T on transcript NM_138420.4 (MANE Select); coding-DNA position 4544, C replaced by T.
Protein change: p.Ser1515Leu; replaces serine 1515 with leucine.
Molecular consequence: missense variant.
Genome position (GRCh38, 1-based): chr14:104,950,907, G>A on the plus strand (C>T on the coding strand, the complement: AHNAK2 is on the minus strand). VCF-style: chr14-104950907-G-A. GRCh37 (hg19) VCF-style: chr14-105417244-G-A.
Other names: c.4244C>T, p.Ser1415Leu (NM_001350929.2); short protein forms S1515L, S1415L.
Identifiers: ClinVar variation 2461638 (VCV002461638.27), dbSNP rs569896060, ClinGen allele CA7382393.

ClinVar aggregate classification (germline): Conflicting classifications of pathogenicity. Review status: criteria provided, conflicting classifications (1 of 4 stars). 2 submissions from 2 submitters: Uncertain significance (1); Likely benign (1). Last evaluated 2025-07-08.

Allele frequency attached by ClinVar (database versions not stated): ExAC 0.00013; 1000 Genomes Project 0.00040.

Submissions (2):

Ambry Genetics
Classification: Uncertain significance. Last evaluated: 2025-07-08. Review status: criteria provided, single submitter. Criteria: Ambry Variant Classification Scheme 2023. Collection method: clinical testing. Allele origin: germline.

CeGaT Center for Human Genetics Tuebingen
Classification: Likely benign. Last evaluated: 2023-07-01. Review status: criteria provided, single submitter. Criteria: CeGaT Center For Human Genetics Tuebingen Variant Classification Criteria Version 2. Collection method: clinical testing. Allele origin: germline. Affected: yes. Observed: 1 variant allele.
Comment: AHNAK2: BP4, BS1